The following is an entry in ClinVar:

NM_001114753.3(ENG):c.951_956del (p.Pro318_Leu319del)

Gene: ENG (endoglin; minus strand). Cytogenetic location: 9q34.11.
Variant type: Deletion.
Coding change: c.951_956del on transcript NM_001114753.3 (MANE Select); coding-DNA positions 951 to 956, 6 bases deleted (ACCGCT; older notation c.951_956delACCGCT).
Protein change: p.Pro318_Leu319del.
Molecular consequence: inframe deletion. On other transcripts: inframe indel (2).
Genome position (GRCh38, 1-based): chr9:127,824,835-127,824,840, AGCGGT deleted on the plus strand (ACCGCT on the coding strand, the reverse complement: ENG is on the minus strand); deleting any 6 consecutive bases within chr9:127,824,835-127,824,843 gives the same sequence; the c. name uses the placement nearest the transcript's 3' end. VCF-style (leftmost placement, unchanged base first): chr9-127824834-CAGCGGT-C. GRCh37 (hg19) VCF-style: chr9-130587113-CAGCGGT-C.
Other names: c.948_953delGCTACC, p.Pro318_Leu319del (NM_000118.4, NM_001406715.1); c.405_410del, p.Pro136_Leu137del (NM_001278138.2).
Identifiers: ClinVar variation 1005787 (VCV001005787.13), dbSNP rs1830567220, ClinGen allele CA1879973475.

ClinVar aggregate classification (germline): Uncertain significance (1 of 4 stars; one submission).

Conditions:
Hereditary hemorrhagic telangiectasia (HHT). Also called: Osler hemorrhagic telangiectasia syndrome; ORW DISEASE; Osler Weber Rendu syndrome; OSLER-RENDU-WEBER DISEASE. Identifiers: Orphanet 774, MedGen C0039445, MONDO:0019180. Disease mechanism: loss of function.

Submission:

Labcorp Genetics (formerly Invitae), Labcorp
Classification: Uncertain significance for Hereditary hemorrhagic telangiectasia. Last evaluated: 2021-02-08. Review status: criteria provided, single submitter. Criteria: Invitae Variant Classification Sherloc (09022015). Collection method: clinical testing. Allele origin: germline.
Comment: This variant, c.951_956del, results in the deletion of 2 amino acid(s) of the ENG protein (p.Pro318_Leu319del), but otherwise preserves the integrity of the reading frame. This variant is not present in population databases (ExAC no frequency). This variant has not been reported in the literature in individuals with ENG-related conditions. Experimental studies and prediction algorithms are not available or were not evaluated, and the functional significance of this variant is currently unknown. In summary, the available evidence is currently insufficient to determine the role of this variant in disease. Therefore, it has been classified as a Variant of Uncertain Significance.